The following is an entry in ClinVar:

NM_002850.4(PTPRS):c.5256G>A (p.Ala1752=)

Gene: PTPRS (protein tyrosine phosphatase receptor type S; minus strand). Cytogenetic location: 19p13.3.
Variant type: single nucleotide variant.
Coding change: c.5256G>A on transcript NM_002850.4 (MANE Select); coding-DNA position 5256, G replaced by A.
Protein change: p.Ala1752=; no amino-acid change (alanine 1752 retained).
Molecular consequence: synonymous variant.
Genome position (GRCh38, 1-based): chr19:5,210,784, C>T on the plus strand (G>A on the coding strand, the complement: PTPRS is on the minus strand). VCF-style: chr19-5210784-C-T. GRCh37 (hg19) VCF-style: chr19-5210795-C-T.
Other names: c.5190G>A, p.Ala1730= (NM_001394011.1); c.5169G>A, p.Ala1723= (NM_001394012.1); c.5130G>A, p.Ala1710= (NM_001394013.1); c.3915G>A, p.Ala1305= (NM_130853.3); c.5142G>A, p.Ala1714= (NM_130854.3); c.3927G>A, p.Ala1309= (NM_130855.3).
Identifiers: ClinVar variation 3048605 (VCV003048605.2), dbSNP rs140704487, ClinGen allele CA9108792.
Genomic context (GRCh38, chr19:5,210,784, plus strand): 5'-ATTGTTCTCCCACAGCATGCGCCAGAAGTCTTCCGTGGTCTCCGCCAGCGGCCCCTGTGT[C>T]GCGATGTAGGCCTTCTGCTGCCTGCAGGCGTTGGGGGTATGAGCCCAGGGCCGGCAGGGA-3'
Protein context (NP_002841.3, residues 1742-1762): DGYRQQKAYI[Ala1752=]TQGPLAETTE

ClinVar aggregate classification (germline): Likely benign (0 of 4 stars; one submission).

Conditions:
PTPRS-related disorder. Also called: PTPRS-related condition.

Allele frequency attached by ClinVar (database versions not stated): gnomAD exomes 0.00015; ExAC 0.00059; 1000 Genomes Project 0.00140; 1000 Genomes Project 30x 0.00156; gnomAD 0.00167; ESP Exome Variant Server 0.00169; TOPMed 0.00184.
gnomAD v4.1: 476 of 1,613,986 alleles (0.029%); highest among the groups gnomAD compares: African/African-American, 0.54%; no homozygotes.

Submission:

PreventionGenetics, part of Exact Sciences
Classification: Likely benign for PTPRS-related condition. Last evaluated: 2024-05-15. Review status: no assertion criteria provided. Collection method: clinical testing. Allele origin: germline.
Comment: This variant is classified as likely benign based on ACMG/AMP sequence variant interpretation guidelines (Richards et al. 2015 PMID: 25741868, with internal and published modifications).